The following is an entry in ClinVar:

ClinVar aggregate classification (germline): Benign/Likely benign. Review status: criteria provided, multiple submitters, no conflicts (2 of 4 stars). 8 submissions from 8 submitters: Benign (6); Likely benign (2). Last evaluated 2026-01-15.

Conditions:
Inborn genetic diseases. Identifiers: MedGen C0950123, MeSH D030342.
Intellectual developmental disorder, X-linked 90. Also called: DLG3-Related X-Linked Nonsyndromic Mental Retardation; Intellectual disability, X-linked 90. Identifiers: Orphanet 777, MedGen C3275443, MONDO:0010452, OMIM 300850.

Allele frequency attached by ClinVar (database versions not stated): 1000 Genomes Project 30x 0.00042; gnomAD exomes 0.00583 and 0.00333; gnomAD 0.00385 and 0.00401; ExAC 0.00666; ESP Exome Variant Server 0.00312; TOPMed 0.00328; 1000 Genomes Project 0.00053.
gnomAD v4.1: 6,683 of 1,191,109 alleles (0.56%); highest among the groups gnomAD compares: Non-Finnish European, 0.7%; 14 homozygotes.

Submissions (8):

Labcorp Genetics (formerly Invitae), Labcorp
Classification: Benign. Last evaluated: 2026-01-15. Review status: criteria provided, single submitter. Criteria: Invitae Variant Classification Sherloc (09022015). Collection method: clinical testing. Allele origin: germline.

Equipe Genetique des Anomalies du Developpement, Université de Bourgogne
Classification: Likely benign for Intellectual developmental disorder, X-linked 90. Last evaluated: 2025-01-31. Review status: criteria provided, single submitter. Criteria: ACMG Guidelines, 2015. Collection method: curation. Allele origin: germline. Affected: yes.
Comment: Literature review. This variant is a missense which replaces a glycine with a serine at position 102. Hemizygous pathogenic variants in DLG3 are reported in an autosomal dominant intellectual disability (OMIM #300850). This variant is present in 2067 males individuals in the population database gnomAD (v4.1.0). It has previously been reported as benign in ClinVar and in the literature (PMID:25649377). In silico prediction scores are in favor of an absence of effect. Based on these evidences, the variant was classified as likely benign.

Blueprint Genetics
Classification: Likely benign. Last evaluated: 2024-11-04. Review status: criteria provided, single submitter. Criteria: ACMG Guidelines, 2015. Collection method: clinical testing. Allele origin: germline.

Ambry Genetics
Classification: Benign for Inborn genetic diseases. Last evaluated: 2019-12-20. Review status: criteria provided, single submitter. Criteria: Ambry Variant Classification Scheme 2023. Collection method: clinical testing. Allele origin: germline.

Genetic Services Laboratory, University of Chicago
Classification: Benign. Last evaluated: 2016-11-28. Review status: criteria provided, single submitter. Criteria: ACMG Guidelines, 2015. Collection method: clinical testing. Allele origin: germline. Affected: no.

Center for Pediatric Genomic Medicine, Children's Mercy Hospital and Clinics
Classification: Benign. Last evaluated: 2016-01-13. Review status: criteria provided, single submitter. Criteria: ACMG Guidelines, 2015. Collection method: clinical testing. Allele origin: germline.

Eurofins Ntd Llc (ga)
Classification: Benign. Last evaluated: 2014-04-07. Review status: criteria provided, single submitter. Criteria: EGL Classification Definitions 2015. Collection method: clinical testing. Allele origin: germline. Observed: 4 variant alleles, 1 heterozygote, 3 hemizygotes.

Breakthrough Genomics
Classification: Benign. Review status: criteria provided, single submitter. Criteria: ACMG Guidelines, 2015. Collection method: not provided. Allele origin: germline. Inheritance: X-linked inheritance. Affected: yes.

Literature cited by the submitters: PubMed 25649377 (cited by Equipe Genetique des Anomalies du Developpement, Université de Bourgogne).

NM_021120.4(DLG3):c.304G>A (p.Gly102Ser)

Gene: DLG3 (discs large MAGUK scaffold protein 3; plus strand). Cytogenetic location: Xq13.1.
Variant type: single nucleotide variant.
Coding change: c.304G>A on transcript NM_021120.4 (MANE Select); coding-DNA position 304, G replaced by A.
Protein change: p.Gly102Ser; replaces glycine 102 with serine.
Molecular consequence: missense variant.
Genome position (GRCh38, 1-based): chrX:70,445,505, G>A. VCF-style: chrX-70445505-G-A. GRCh37 (hg19) VCF-style: chrX-69665355-G-A.
Other names: short protein forms G102S.
Identifiers: ClinVar variation 96020 (VCV000096020.21), dbSNP rs11797456, ClinGen allele CA149161.